The following is an entry in ClinVar:

ClinVar aggregate classification (germline): Uncertain significance (0 of 4 stars; one submission).

Conditions:
Autism spectrum disorder. Also called: Autism spectrum disorders. Identifiers: MedGen C1510586, MeSH D000067877, MONDO:0005258.

Allele frequency attached by ClinVar (database versions not stated): TOPMed 0.00002; ESP Exome Variant Server 0.00008; ExAC 0.00001; gnomAD 0.00002; gnomAD exomes 0.00002.
gnomAD v4.1: 34 of 1,614,002 alleles (0.0021%); highest among the groups gnomAD compares: Non-Finnish European, 0.0027%; no homozygotes.

Submission:

Department of Medical Genetics, Capital Institute of Pediatrics
Classification: Uncertain significance for Autism Spectrum Disorder. Last evaluated: 2024-07-03. Review status: no assertion criteria provided. Collection method: research. Allele origin: de novo. Affected: yes.
Comment: PM2_Supporting+PS2

Literature cited by the submitters: PubMed 39419027.

NM_001039469.3(MARK2):c.905G>A (p.Arg302Gln)

Gene: MARK2 (microtubule affinity regulating kinase 2; plus strand). Cytogenetic location: 11q13.1.
Variant type: single nucleotide variant.
Coding change: c.905G>A on transcript NM_001039469.3 (MANE Select); coding-DNA position 905, G replaced by A.
Protein change: p.Arg302Gln; replaces arginine 302 with glutamine.
Molecular consequence: missense variant.
Genome position (GRCh38, 1-based): chr11:63,900,796, G>A. VCF-style: chr11-63900796-G-A. GRCh37 (hg19) VCF-style: chr11-63668268-G-A.
Other names: c.905G>A, p.Arg302Gln (NM_001163296.2, NM_001163297.2, NM_004954.5); c.806G>A, p.Arg269Gln (NM_017490.4); short protein forms R269Q, R302Q.
Identifiers: ClinVar variation 3253626 (VCV003253626.2), dbSNP rs199684279.